The following is an entry in ClinVar:

ClinVar aggregate classification (germline): Pathogenic (1 of 4 stars; one submission).

Conditions:
VPS13A-related neurodegenerative disease. Also called: ACANTHOCYTOSIS WITH NEUROLOGIC DISORDER; LEVINE-CRITCHLEY SYNDROME; Choreoacanthocytosis; Chorea-acanthocytosis; Choreaacanthocytosis; VPS13A Disease. Identifiers: Orphanet 2388, MedGen C0393576, MONDO:0008695, OMIM 200150.

Submission:

Myriad Genetics, Inc.
Classification: Pathogenic for VPS13A-related neurodegenerative disease. Last evaluated: 2024-05-14. Review status: criteria provided, single submitter. Criteria: Myriad Autosomal Dominant, Autosomal Recessive and X-Linked Classification Criteria (2023). Collection method: clinical testing. Allele origin: unknown.
Comment: NM_033305.2(VPS13A):c.261_262ins8(L88Tfs*6) is expected to be pathogenic in the context of VPS13A disease. This variant is predicted to lead to an abnormal or absent protein product due to the creation of a premature termination codon in VPS13A, a gene where loss-of-function variants are known to be pathogenic. Please note: this variant was assessed in the context of healthy population screening.

NM_033305.3(VPS13A):c.261_262insACTGTCTC (p.Leu88fs)

Gene: VPS13A (vacuolar protein sorting 13 homolog A; plus strand). Cytogenetic location: 9q21.2.
Variant type: Insertion.
Coding change: c.261_262insACTGTCTC on transcript NM_033305.3 (MANE Select); coding-DNA positions 261 to 262, ACTGTCTC inserted.
Protein change: p.Leu88fs; shifts the reading frame from leucine 88.
Molecular consequence: frameshift variant.
Genome position: GRCh38 VCF-style: chr9-77205386-T-TACTGTCTC. GRCh37 (hg19) VCF-style: chr9-79820302-T-TACTGTCTC.
Other names: c.261_262insACTGTCTC, p.Leu88fs (NM_001018037.2, NM_001018038.3, NM_015186.4); short protein forms L88fs.
Identifiers: ClinVar variation 5010994 (VCV005010994.1).
Genomic context (GRCh38, chr9:77,205,386, plus strand): 5'-TATAATTCCATGGAAAAACCTTTATACTCAACCTGTTGAAGCCGTATTGGAAGAAATTTA[T>TACTGTCTC]TTACTTATAGTGCCTTCTTCTAGTAAGTTAAATTTAAAAAAATTATAATTTAAGTTATTC-3'